The following is an entry in ClinVar:

NM_032656.4(DHX37):c.1337G>A (p.Arg446Gln)

Gene: DHX37 (DEAH-box helicase 37; minus strand). Cytogenetic location: 12q24.31.
Variant type: single nucleotide variant.
Coding change: c.1337G>A on transcript NM_032656.4 (MANE Select); coding-DNA position 1337, G replaced by A.
Protein change: p.Arg446Gln; replaces arginine 446 with glutamine.
Molecular consequence: missense variant.
Genome position (GRCh38, 1-based): chr12:124,968,605, C>T on the plus strand (G>A on the coding strand, the complement: DHX37 is on the minus strand). VCF-style: chr12-124968605-C-T. GRCh37 (hg19) VCF-style: chr12-125453151-C-T.
Other names: short protein forms R446Q.
Identifiers: ClinVar variation 4686280 (VCV004686280.1).

ClinVar aggregate classification (germline): Uncertain significance (1 of 4 stars; one submission).

gnomAD v4.1: 13 of 1,614,008 alleles (0.00081%); highest among the groups gnomAD compares: Admixed American, 0.0033%; 1 homozygote.

Submission:

GeneDx
Classification: Uncertain significance. Last evaluated: 2025-07-16. Review status: criteria provided, single submitter. Criteria: GeneDx Variant Classification Process June 2021. Collection method: clinical testing. Allele origin: germline. Affected: yes.
Comment: Not observed at significant frequency in large population cohorts (gnomAD); In silico analysis supports that this missense variant has a deleterious effect on protein structure/function; In silico analysis supports a deleterious effect on splicing; Has not been previously published as pathogenic or benign to our knowledge